The following is an entry in ClinVar:

NM_000051.4(ATM):c.22C>T (p.Leu8=)

Gene: ATM (ATM serine/threonine kinase; plus strand). Cytogenetic location: 11q22.3.
Variant type: single nucleotide variant.
Coding change: c.22C>T on transcript NM_000051.4 (MANE Select); coding-DNA position 22, C replaced by T.
Protein change: p.Leu8=; no amino-acid change (leucine 8 retained).
Molecular consequence: synonymous variant.
Genome position (GRCh38, 1-based): chr11:108,227,646, C>T. VCF-style: chr11-108227646-C-T. GRCh37 (hg19) VCF-style: chr11-108098373-C-T.
Other names: c.22C>T, p.Leu8= (NM_001351834.2, NM_001351835.2, NM_001351836.2).
Identifiers: ClinVar variation 1552879 (VCV001552879.11), dbSNP rs2135004594, ClinGen allele CA476667953.

ClinVar aggregate classification (germline): Benign/Likely benign. Review status: criteria provided, multiple submitters, no conflicts (2 of 4 stars). 3 submissions from 3 submitters: Benign (1); Likely benign (2). Last evaluated 2024-07-23.

Conditions:
Familial cancer of breast. Also called: Hereditary breast cancer; hereditary breast carcinoma; BREAST CANCER, FAMILIAL. Identifiers: Orphanet 227535, MedGen C0346153, MONDO:0016419, OMIM 114480. Disease mechanism: loss of function.
Hereditary cancer-predisposing syndrome. Also called: Neoplastic Syndromes, Hereditary; Tumor predisposition; Hereditary neoplastic syndrome; Hereditary Cancer Syndrome. Identifiers: Orphanet 140162, MedGen C0027672, MeSH D009386, MONDO:0015356.
Ataxia-telangiectasia syndrome (AT). Also called: Ataxia telangiectasia (A-T); ATAXIA-TELANGIECTASIA, COMPLEMENTATION GROUP A; ATAXIA-TELANGIECTASIA, FRESNO VARIANT; Ataxia-telangiectasia; Ataxia-telangiectasia, complementation group E; Cerebello-oculocutaneous telangiectasia. Identifiers: Orphanet 100, MedGen C0004135, MONDO:0008840, OMIM 208900.

Submissions (3):

Labcorp Genetics (formerly Invitae), Labcorp
Classification: Likely benign for Ataxia-telangiectasia syndrome. Last evaluated: 2024-07-23. Review status: criteria provided, single submitter. Criteria: Invitae Variant Classification Sherloc (09022015). Collection method: clinical testing. Allele origin: germline.

Myriad Genetics, Inc.
Classification: Benign for Familial cancer of breast. Last evaluated: 2024-04-16. Review status: criteria provided, single submitter. Criteria: Myriad Autosomal Dominant, Autosomal Recessive and X-Linked Classification Criteria (2023). Collection method: clinical testing. Allele origin: unknown.
Comment: This variant is considered benign. This variant is a silent/synonymous amino acid change and it is not expected to impact splicing.

Ambry Genetics
Classification: Likely benign for Hereditary cancer-predisposing syndrome. Last evaluated: 2017-09-25. Review status: criteria provided, single submitter. Criteria: Ambry Variant Classification Scheme 2023. Collection method: clinical testing. Allele origin: germline.